The following is an entry in ClinVar:

NM_019109.5(ALG1):c.208+1G>A

Genes: ALG1 (ALG1 chitobiosyldiphosphodolichol beta-mannosyltransferase; plus strand), LOC130058384 (ATAC-STARR-seq lymphoblastoid active region 10349; plus strand). Cytogenetic location: 16p13.3.
Variant type: single nucleotide variant.
Coding change: c.208+1G>A on transcript NM_019109.5 (MANE Select); the canonical splice donor site of the intron after coding-DNA position 208, G replaced by A.
Molecular consequence: splice donor variant.
Genome position (GRCh38, 1-based): chr16:5,072,058, G>A. VCF-style: chr16-5072058-G-A. GRCh37 (hg19) VCF-style: chr16-5122059-G-A.
Identifiers: ClinVar variation 3014793 (VCV003014793.3), dbSNP rs1313166263, ClinGen allele CA394678877.

ClinVar aggregate classification (germline): Likely pathogenic (1 of 4 stars; one submission).

Conditions:
ALG1-congenital disorder of glycosylation. Also called: CDG Ik; CONGENITAL DISORDER OF GLYCOSYLATION, TYPE Ik; ALG1-CDG. Identifiers: Orphanet 79327, MedGen C2931005, MONDO:0012052, OMIM 608540.

Allele frequency attached by ClinVar (database versions not stated): TOPMed below 0.00001; gnomAD 0.00001.

Submission:

Labcorp Genetics (formerly Invitae), Labcorp
Classification: Likely pathogenic for ALG1-congenital disorder of glycosylation. Last evaluated: 2025-05-07. Review status: criteria provided, single submitter. Criteria: Invitae Variant Classification Sherloc (09022015). Collection method: clinical testing. Allele origin: germline.
Comment: This sequence change affects a donor splice site in intron 1 of the ALG1 gene. It is expected to disrupt RNA splicing. Variants that disrupt the donor or acceptor splice site typically lead to a loss of protein function (PMID: 16199547), and loss-of-function variants in ALG1 are known to be pathogenic (PMID: 20679665, 23806237). This variant is not present in population databases (gnomAD no frequency). This variant has not been reported in the literature in individuals affected with ALG1-related conditions. ClinVar contains an entry for this variant (Variation ID: 3014793). Algorithms developed to predict the effect of sequence changes on RNA splicing suggest that this variant may disrupt the consensus splice site. In summary, the currently available evidence indicates that the variant is pathogenic, but additional data are needed to prove that conclusively. Therefore, this variant has been classified as Likely Pathogenic.

Literature cited by the submitters: PubMed 16199547; PubMed 20679665; PubMed 23806237.